The following is an entry in ClinVar:

NM_001035.3(RYR2):c.7057A>G (p.Ile2353Val)

Gene: RYR2 (ryanodine receptor 2; plus strand). Cytogenetic location: 1q43.
Variant type: single nucleotide variant.
Coding change: c.7057A>G on transcript NM_001035.3 (MANE Select); coding-DNA position 7057, A replaced by G.
Protein change: p.Ile2353Val; replaces isoleucine 2353 with valine.
Molecular consequence: missense variant.
Genome position (GRCh38, 1-based): chr1:237,639,143, A>G. VCF-style: chr1-237639143-A-G. GRCh37 (hg19) VCF-style: chr1-237802443-A-G.
Other names: p.Ile2353Val; c.7057A>G, p.Ile2353Val (LRG_402t1); short protein forms I2353V.
Identifiers: ClinVar variation 463625 (VCV000463625.16), dbSNP rs375356774, ClinGen allele CA39788104.
Genomic context (GRCh38, chr1:237,639,143, plus strand): 5'-CCTGCTTTGAGAGGAGAAGGTGGGAATGGGCTTCTTGCAGCAATGGAAGAAGCCATCAAA[A>G]TCGCCGAGGATCCTTCCCGAGATGGTCCCTCACCAAATAGCGGATCCAGTAAAACACTGT-3'
Protein context (NP_001026.2, residues 2343-2363): LLAAMEEAIK[Ile2353Val]AEDPSRDGPS

ClinVar aggregate classification (germline): Uncertain significance. Review status: criteria provided, multiple submitters, no conflicts (2 of 4 stars). 5 submissions from 5 submitters: Uncertain significance (5). Last evaluated 2025-12-28.

Conditions:
Cardiovascular phenotype. Identifiers: MedGen CN230736.
Catecholaminergic polymorphic ventricular tachycardia 1. Also called: VENTRICULAR TACHYCARDIA, CATECHOLAMINERGIC POLYMORPHIC, 1, WITH OR WITHOUT ATRIAL DYSFUNCTION AND/OR DILATED CARDIOMYOPATHY; VENTRICULAR TACHYCARDIA, STRESS-INDUCED POLYMORPHIC 1; RYR2-Related Catecholaminergic Polymorphic Ventricular Tachycardia. Identifiers: Orphanet 3286, MedGen C1631597, MONDO:0011484, OMIM 604772.

Allele frequency attached by ClinVar (database versions not stated): gnomAD exomes below 0.00001 and 0.00003; gnomAD 0.00001; TOPMed 0.00002; ESP Exome Variant Server 0.00008.
gnomAD v4.1: 44 of 1,613,758 alleles (0.0027%); highest among the groups gnomAD compares: Non-Finnish European, 0.0036%; no homozygotes.

Submissions (5):

Labcorp Genetics (formerly Invitae), Labcorp
Classification: Uncertain significance for Catecholaminergic polymorphic ventricular tachycardia 1. Last evaluated: 2025-12-28. Review status: criteria provided, single submitter. Criteria: Invitae Variant Classification Sherloc (09022015). Collection method: clinical testing. Allele origin: germline.
Comment: This sequence change replaces isoleucine, which is neutral and non-polar, with valine, which is neutral and non-polar, at codon 2353 of the RYR2 protein (p.Ile2353Val). This variant is present in population databases (rs375356774, gnomAD 0.0009%). This variant has not been reported in the literature in individuals affected with RYR2-related conditions. ClinVar contains an entry for this variant (Variation ID: 463625). Invitae Evidence Modeling of protein sequence and biophysical properties (such as structural, functional, and spatial information, amino acid conservation, physicochemical variation, residue mobility, and thermodynamic stability) indicates that this missense variant is expected to disrupt RYR2 protein function with a positive predictive value of 95%. In summary, the available evidence is currently insufficient to determine the role of this variant in disease. Therefore, it has been classified as a Variant of Uncertain Significance.

Mayo Clinic Laboratories, Mayo Clinic
Classification: Uncertain significance. Last evaluated: 2025-03-31. Review status: criteria provided, single submitter. Criteria: ACMG Guidelines, 2015. Collection method: clinical testing. Allele origin: germline. Observed: 1 variant allele.
Comment: PP2, PP3, PM1

Blueprint Genetics
Classification: Uncertain significance. Last evaluated: 2024-11-21. Review status: criteria provided, single submitter. Criteria: ACMG Guidelines, 2015. Collection method: clinical testing. Allele origin: germline.

Ambry Genetics
Classification: Uncertain significance for Cardiovascular phenotype. Last evaluated: 2024-08-19. Review status: criteria provided, single submitter. Criteria: Ambry Variant Classification Scheme 2023. Collection method: clinical testing. Allele origin: germline.
Comment: The p.I2353V variant (also known as c.7057A>G), located in coding exon 46 of the RYR2 gene, results from an A to G substitution at nucleotide position 7057. The isoleucine at codon 2353 is replaced by valine, an amino acid with highly similar properties. This amino acid position is highly conserved in available vertebrate species. In addition, the in silico prediction for this alteration is inconclusive. Based on the available evidence, the clinical significance of this variant remains unclear.

AiLife Diagnostics
Classification: Uncertain significance. Last evaluated: 2021-07-04. Review status: criteria provided, single submitter. Criteria: ACMG Guidelines, 2015. Collection method: clinical testing. Allele origin: germline. Affected: yes. Observed: 1 variant allele.